The following is an entry in ClinVar:

NM_004444.5(EPHB4):c.190C>T (p.Gln64Ter)

Gene: EPHB4 (EPH receptor B4; minus strand). Cytogenetic location: 7q22.1.
Variant type: single nucleotide variant.
Coding change: c.190C>T on transcript NM_004444.5 (MANE Select); coding-DNA position 190, C replaced by T.
Protein change: p.Gln64Ter; replaces glutamine 64 with a stop codon.
Molecular consequence: nonsense.
Genome position (GRCh38, 1-based): chr7:100,823,865, G>A on the plus strand (C>T on the coding strand, the complement: EPHB4 is on the minus strand). VCF-style: chr7-100823865-G-A. GRCh37 (hg19) VCF-style: chr7-100421487-G-A.
Other names: short protein forms Q64*.
Identifiers: ClinVar variation 1421631 (VCV001421631.6), dbSNP rs2116461987, ClinGen allele CA368584523.

ClinVar aggregate classification (germline): Pathogenic (1 of 4 stars; one submission).

Submission:

Labcorp Genetics (formerly Invitae), Labcorp
Classification: Pathogenic. Last evaluated: 2021-11-02. Review status: criteria provided, single submitter. Criteria: Invitae Variant Classification Sherloc (09022015). Collection method: clinical testing. Allele origin: germline.
Comment: This sequence change creates a premature translational stop signal (p.Gln64*) in the EPHB4 gene. It is expected to result in an absent or disrupted protein product. Loss-of-function variants in EPHB4 are known to be pathogenic (PMID: 28687708). This variant is not present in population databases (gnomAD no frequency). This variant has not been reported in the literature in individuals affected with EPHB4-related conditions. For these reasons, this variant has been classified as Pathogenic.

Literature cited by the submitters: PubMed 28687708.